The following is an entry in ClinVar:

ClinVar aggregate classification (germline): Uncertain significance. Review status: criteria provided, multiple submitters, no conflicts (2 of 4 stars). 3 submissions from 3 submitters: Uncertain significance (3). Last evaluated 2025-05-12.

Conditions:
CEP250-related disorder. Also called: CEP250-related condition.

Allele frequency attached by ClinVar (database versions not stated): ExAC 0.00001; TOPMed 0.00003; gnomAD exomes 0.00004 and 0.00012; ESP Exome Variant Server 0.00008.
gnomAD v4.1: 177 of 1,613,792 alleles (0.011%); highest among the groups gnomAD compares: Non-Finnish European, 0.014%; no homozygotes.

Submissions (4):

PreventionGenetics, part of Exact Sciences
Classification: Uncertain significance for CEP250-related condition. Last evaluated: 2025-05-12. Review status: criteria provided, single submitter. Criteria: ACMG Guidelines, 2015. Collection method: clinical testing. Allele origin: germline.
Comment: The CEP250 c.913A>G variant is predicted to result in the amino acid substitution p.Met305Val. To our knowledge, this variant has not been reported in the literature. This variant is reported in 0.0062% of alleles in individuals of African descent in gnomAD. At this time, the clinical significance of this variant is uncertain due to the absence of conclusive functional and genetic evidence.

Labcorp Genetics (formerly Invitae), Labcorp
Classification: Uncertain significance. Last evaluated: 2022-09-27. Review status: criteria provided, single submitter. Criteria: Invitae Variant Classification Sherloc (09022015). Collection method: clinical testing. Allele origin: germline.
Comment: This sequence change replaces methionine, which is neutral and non-polar, with valine, which is neutral and non-polar, at codon 305 of the CEP250 protein (p.Met305Val). This variant is present in population databases (rs146309487, gnomAD 0.007%). This variant has not been reported in the literature in individuals affected with CEP250-related conditions. ClinVar contains an entry for this variant (Variation ID: 938143). Algorithms developed to predict the effect of missense changes on protein structure and function are either unavailable or do not agree on the potential impact of this missense change (SIFT: "Not Available"; PolyPhen-2: "Benign"; Align-GVGD: "Not Available"). Algorithms developed to predict the effect of sequence changes on RNA splicing suggest that this variant may create or strengthen a splice site. In summary, the available evidence is currently insufficient to determine the role of this variant in disease. Therefore, it has been classified as a Variant of Uncertain Significance.

Blueprint Genetics
Classification: Uncertain significance. Last evaluated: 2021-09-06. Review status: criteria provided, single submitter. Criteria: ACMG Guidelines, 2015. Collection method: clinical testing. Allele origin: germline.

Dr. Peter K. Rogan Lab, Western University
No classification provided (evidence only). Condition: Sarcoma. Review status: no classification provided. Collection method: in vitro. Allele origin: not applicable. Functional consequence: retained intron. Not counted in ClinVar's aggregate classification.

NM_007186.6(CEP250):c.913A>G (p.Met305Val)

Gene: CEP250 (centrosomal protein 250; plus strand). Cytogenetic location: 20q11.22.
Variant type: single nucleotide variant.
Coding change: c.913A>G on transcript NM_007186.6 (MANE Select); coding-DNA position 913, A replaced by G.
Protein change: p.Met305Val; replaces methionine 305 with valine.
Molecular consequence: missense variant. On other transcripts: 5 prime UTR variant (1).
Genome position (GRCh38, 1-based): chr20:35,469,951, A>G. VCF-style: chr20-35469951-A-G. GRCh37 (hg19) VCF-style: chr20-34057776-A-G.
Other names: c.-987A>G (NM_001318219.1); short protein forms M305V.
Identifiers: ClinVar variation 938143 (VCV000938143.8), dbSNP rs146309487, ClinGen allele CA9832749.